The following is an entry in ClinVar:

ClinVar aggregate classification (germline): Pathogenic/Likely pathogenic. Review status: criteria provided, multiple submitters, no conflicts (2 of 4 stars). 2 submissions from 2 submitters: Pathogenic (1); Likely pathogenic (1). Last evaluated 2023-01-08.

Conditions:
Charcot-Marie-Tooth disease type 2. Also called: Charcot-Marie-Tooth type 2. Identifiers: Orphanet 64746, MedGen C0270914, MONDO:0018993.

Submissions (2):

Labcorp Genetics (formerly Invitae), Labcorp
Classification: Pathogenic for Charcot-Marie-Tooth disease type 2. Last evaluated: 2023-01-08. Review status: criteria provided, single submitter. Criteria: Invitae Variant Classification Sherloc (09022015). Collection method: clinical testing. Allele origin: germline.
Comment: For these reasons, this variant has been classified as Pathogenic. ClinVar contains an entry for this variant (Variation ID: 842305). This variant has not been reported in the literature in individuals affected with LMNA-related conditions. This variant is not present in population databases (gnomAD no frequency). This sequence change creates a premature translational stop signal (p.Glu536Lysfs*12) in the LMNA gene. It is expected to result in an absent or disrupted protein product. Loss-of-function variants in LMNA are known to be pathogenic (PMID: 18585512, 18926329).

GeneDx
Classification: Likely pathogenic. Last evaluated: 2022-06-06. Review status: criteria provided, single submitter. Criteria: GeneDx Variant Classification Process June 2021. Collection method: clinical testing. Allele origin: germline. Affected: yes.
Comment: Identified in a patient with muscle wasting and cardiac involvement who also harbored a variant in another EDMD-related gene (Meinke et al., 2020); Not observed at significant frequency in large population cohorts (gnomAD); Frameshift variant predicted to result in protein truncation or nonsense mediated decay in a gene for which loss of function is a known mechanism of disease; This variant is associated with the following publications: (PMID: 31862442)

Literature cited by the submitters: PubMed 18585512 (cited by Labcorp Genetics (formerly Invitae), Labcorp); PubMed 18926329 (cited by Labcorp Genetics (formerly Invitae), Labcorp).

NM_170707.4(LMNA):c.1606del (p.Glu536fs)

Gene: LMNA (lamin A/C; plus strand). Cytogenetic location: 1q22.
Variant type: Deletion.
Coding change: c.1606del on transcript NM_170707.4 (MANE Select); coding-DNA position 1606, one base deleted (G; older notation c.1606delG).
Protein change: p.Glu536fs; shifts the reading frame from glutamic acid 536.
Molecular consequence: frameshift variant.
Genome position (GRCh38, 1-based): chr1:156,137,230, G deleted; the last of 4 consecutive G bases (chr1:156,137,227-156,137,230); deleting any one gives the same sequence. VCF-style (leftmost placement, unchanged base first): chr1-156137226-TG-T. GRCh37 (hg19) VCF-style: chr1-156107017-TG-T.
Other names: c.1270del, p.Glu424fs (NM_001257374.3); c.1363del, p.Glu455fs (NM_001282624.2); c.1606del, p.Glu536fs (NM_001282625.2, NM_001282626.2, NM_005572.4 and 1 more transcripts); short protein forms E536fs, E424fs, E455fs.
Identifiers: ClinVar variation 842305 (VCV000842305.8), dbSNP rs1651736894, ClinGen allele CA916080237.